The following is an entry in ClinVar:

NM_002474.3(MYH11):c.986C>T (p.Thr329Ile)

Gene: MYH11 (myosin heavy chain 11; minus strand). Cytogenetic location: 16p13.11.
Variant type: single nucleotide variant.
Coding change: c.986C>T on transcript NM_002474.3 (MANE Select); coding-DNA position 986, C replaced by T.
Protein change: p.Thr329Ile; replaces threonine 329 with isoleucine.
Molecular consequence: missense variant.
Genome position (GRCh38, 1-based): chr16:15,771,616, G>A on the plus strand (C>T on the coding strand, the complement: MYH11 is on the minus strand). VCF-style: chr16-15771616-G-A. GRCh37 (hg19) VCF-style: chr16-15865473-G-A.
Other names: c.1007C>T, p.Thr336Ile (NM_001040113.2, NM_001040114.2); c.986C>T, p.Thr329Ile (NM_022844.3); short protein forms T336I, T329I.
Identifiers: ClinVar variation 1768444 (VCV001768444.5), dbSNP rs1555565497, ClinGen allele CA394867723.

ClinVar aggregate classification (germline): Uncertain significance. Review status: criteria provided, multiple submitters, no conflicts (2 of 4 stars). 2 submissions from 2 submitters: Uncertain significance (2). Last evaluated 2023-10-22.

Conditions:
Aortic aneurysm, familial thoracic 4 (AAT4). Also called: AORTIC ANEURYSM/AORTIC DISSECTION AND PATENT DUCTUS ARTERIOSUS. Identifiers: MedGen C1851504, MONDO:0007568, OMIM 132900.
Familial thoracic aortic aneurysm and aortic dissection (TAAD). Also called: Thoracic aortic aneurysms and dissections. Identifiers: Orphanet 91387, MedGen C4707243, MONDO:0019625.

Submissions (2):

Labcorp Genetics (formerly Invitae), Labcorp
Classification: Uncertain significance for Aortic aneurysm, familial thoracic 4. Last evaluated: 2023-10-22. Review status: criteria provided, single submitter. Criteria: Invitae Variant Classification Sherloc (09022015). Collection method: clinical testing. Allele origin: germline.
Comment: This sequence change replaces threonine, which is neutral and polar, with isoleucine, which is neutral and non-polar, at codon 336 of the MYH11 protein (p.Thr336Ile). This variant is not present in population databases (gnomAD no frequency). This variant has not been reported in the literature in individuals affected with MYH11-related conditions. ClinVar contains an entry for this variant (Variation ID: 1768444). Advanced modeling of protein sequence and biophysical properties (such as structural, functional, and spatial information, amino acid conservation, physicochemical variation, residue mobility, and thermodynamic stability) performed at Invitae indicates that this missense variant is not expected to disrupt MYH11 protein function. In summary, the available evidence is currently insufficient to determine the role of this variant in disease. Therefore, it has been classified as a Variant of Uncertain Significance.

Ambry Genetics
Classification: Uncertain significance for Familial thoracic aortic aneurysm and aortic dissection. Last evaluated: 2018-02-13. Review status: criteria provided, single submitter. Criteria: Ambry Variant Classification Scheme 2023. Collection method: clinical testing. Allele origin: germline.
Comment: The p.T329I variant (also known as c.986C>T), located in coding exon 8 of the MYH11 gene, results from a C to T substitution at nucleotide position 986. The threonine at codon 329 is replaced by isoleucine, an amino acid with similar properties, and is located in the myosin head-like domain. This amino acid position is highly conserved in available vertebrate species. In addition, this alteration is predicted to be deleterious by in silico analysis. Since supporting evidence is limited at this time, the clinical significance of this alteration remains unclear.